The following is an entry in ClinVar:

NM_000388.4(CASR):c.2671C>G (p.Arg891Gly)

Gene: CASR (calcium sensing receptor; plus strand). Cytogenetic location: 3q21.1.
Variant type: single nucleotide variant.
Coding change: c.2671C>G on transcript NM_000388.4 (MANE Select); coding-DNA position 2671, C replaced by G.
Protein change: p.Arg891Gly; replaces arginine 891 with glycine.
Molecular consequence: missense variant.
Genome position (GRCh38, 1-based): chr3:122,284,625, C>G. VCF-style: chr3-122284625-C-G. GRCh37 (hg19) VCF-style: chr3-122003472-C-G.
Other names: c.2701C>G, p.Arg901Gly (NM_001178065.2); short protein forms R891G, R901G.
Identifiers: ClinVar variation 1794557 (VCV001794557.2), dbSNP rs1360294910, ClinGen allele CA354160526.

ClinVar aggregate classification (germline): Uncertain significance (1 of 4 stars; one submission).

Conditions:
Nephrolithiasis/nephrocalcinosis. Identifiers: MedGen CN580796.

Submission:

Ambry Genetics
Classification: Uncertain significance for Nephrolithiasis/nephrocalcinosis. Last evaluated: 2022-05-04. Review status: criteria provided, single submitter. Criteria: Ambry Variant Classification Scheme 2023. Collection method: clinical testing. Allele origin: germline.
Comment: The p.R891G variant (also known as c.2671C>G), located in coding exon 6 of the CASR gene, results from a C to G substitution at nucleotide position 2671. The arginine at codon 891 is replaced by glycine, an amino acid with dissimilar properties. This amino acid position is conserved. In addition, the in silico prediction for this alteration is inconclusive. Since supporting evidence is limited at this time, the clinical significance of this alteration remains unclear.